The following is an entry in ClinVar:

NM_000038.6(APC):c.447C>G (p.Asp149Glu)

Gene: APC (APC regulator of Wnt signaling pathway; plus strand). Cytogenetic location: 5q22.2.
Variant type: single nucleotide variant.
Coding change: c.447C>G on transcript NM_000038.6 (MANE Select); coding-DNA position 447, C replaced by G.
Protein change: p.Asp149Glu; replaces aspartic acid 149 with glutamic acid.
Molecular consequence: missense variant. On other transcripts: 5 prime UTR variant (1).
Genome position (GRCh38, 1-based): chr5:112,775,653, C>G. VCF-style: chr5-112775653-C-G. GRCh37 (hg19) VCF-style: chr5-112111350-C-G.
Other names: c.447C>G, p.Asp149Glu (NM_001127510.3, NM_001354895.2, NM_001354896.2 and 2 more transcripts); c.477C>G, p.Asp159Glu (NM_001127511.3, NM_001354897.2, NM_001354902.2); c.372C>G, p.Asp124Glu (NM_001354898.2, NM_001354904.2); c.270C>G, p.Asp90Glu (NM_001354900.2, NM_001354901.2, NM_001354905.2); c.-589C>G (NM_001354906.2); short protein forms D149E, D90E, D124E, D159E.
Identifiers: ClinVar variation 937099 (VCV000937099.11), dbSNP rs750821213, ClinGen allele CA16022294.
Genomic context (GRCh38, chr5:112,775,653, plus strand): 5'-GTTTAAACGTACCTTTTTTTAAAAAAAAAAAAATAGGTCATTGCTTCTTGCTGATCTTGA[C>G]AAAGAAGAAAAGGAAAAAGACTGGTATTACGCTCAACTTCAGAATCTCACTAAAAGAATA-3'
Protein context (NP_000029.2, residues 139-159): KERSLLLADL[Asp149Glu]KEEKEKDWYY

ClinVar aggregate classification (germline): Uncertain significance (1 of 4 stars; one submission).

Conditions:
Familial adenomatous polyposis 1 (FAP1). Also called: POLYPOSIS, ADENOMATOUS INTESTINAL; FAMILIAL ADENOMATOUS POLYPOSIS 1, ATTENUATED. Identifiers: MedGen C2713442, MONDO:0021056, OMIM 175100. Disease mechanism: loss of function.

Submission:

Labcorp Genetics (formerly Invitae), Labcorp
Classification: Uncertain significance for Familial adenomatous polyposis 1. Last evaluated: 2025-07-31. Review status: criteria provided, single submitter. Criteria: Invitae Variant Classification Sherloc (09022015). Collection method: clinical testing. Allele origin: germline.
Comment: This sequence change replaces aspartic acid, which is acidic and polar, with glutamic acid, which is acidic and polar, at codon 149 of the APC protein (p.Asp149Glu). This variant is not present in population databases (gnomAD no frequency). This variant has not been reported in the literature in individuals affected with APC-related conditions. ClinVar contains an entry for this variant (Variation ID: 937099). Invitae Evidence Modeling of protein sequence and biophysical properties (such as structural, functional, and spatial information, amino acid conservation, physicochemical variation, residue mobility, and thermodynamic stability) indicates that this missense variant is not expected to disrupt APC protein function with a negative predictive value of 95%. In summary, the available evidence is currently insufficient to determine the role of this variant in disease. Therefore, it has been classified as a Variant of Uncertain Significance.